The following is an entry in ClinVar:

ClinVar aggregate classification (germline): Uncertain significance (1 of 4 stars; one submission).

Conditions:
Hereditary cancer-predisposing syndrome. Also called: Neoplastic Syndromes, Hereditary; Tumor predisposition; Hereditary neoplastic syndrome; Hereditary Cancer Syndrome. Identifiers: Orphanet 140162, MedGen C0027672, MeSH D009386, MONDO:0015356.

Submission:

Ambry Genetics
Classification: Uncertain significance for Hereditary cancer-predisposing syndrome. Last evaluated: 2026-07-23. Review status: criteria provided, single submitter. Criteria: Ambry Variant Classification Scheme 2023. Collection method: clinical testing. Allele origin: germline.
Comment: The c.1231_1233delGAA variant (also known as p.E411del) is located in coding exon 10 of the SMARCE1 gene. This variant results from an in-frame GAA deletion at nucleotide positions 1231 to 1233. This results in the in-frame deletion of a glutamic acid at codon 411. This amino acid position is highly conserved in available vertebrate species. In addition, this variant is predicted to be neutral by in silico analysis (Choi Y et al. PLoS ONE. 2012; 7(10):e46688). Based on the available evidence, the clinical significance of this variant remains unclear.

NM_003079.5(SMARCE1):c.1231_1233del (p.Glu411del)

Gene: SMARCE1 (SWI/SNF related BAF chromatin remodeling complex subunit E1; minus strand). Cytogenetic location: 17q21.2.
Variant type: Deletion.
Coding change: c.1231_1233del on transcript NM_003079.5 (MANE Select); coding-DNA positions 1231 to 1233, 3 bases deleted (GAA; older notation c.1231_1233delGAA).
Protein change: p.Glu411del; deletes glutamic acid 411.
Molecular consequence: inframe indel (on NM_003079.4).
Genome position (GRCh38, 1-based): chr17:40,628,788-40,628,790, TTC deleted on the plus strand (GAA on the coding strand, the reverse complement: SMARCE1 is on the minus strand); deleting any 3 consecutive bases within chr17:40,628,788-40,628,792 gives the same sequence; the c. name uses the placement nearest the transcript's 3' end. VCF-style (leftmost placement, unchanged base first): chr17-40628787-ATTC-A. GRCh37 (hg19) VCF-style: chr17-38785039-ATTC-A.
Other names: c.1231_1233delGAA (NM_003079.4); short protein forms E411del.
Identifiers: ClinVar variation 5029967 (VCV005029967.1).
Genomic context (GRCh38, chr17:40,628,787, plus strand): 5'-ACCAAAAAACATTTTTTCATTAAAAAAAGTATTTAGAACACACAAAACAAGGCAACACTT[ATTC>A]TTTTTTCTCATCTTCTGGTATGGGATCTGTTGGTGGCTCCTCCACTGTTGCACTGTTGCT-3'